The following is an entry in ClinVar:

NM_001130438.3(SPTAN1):c.6841C>A (p.Leu2281Ile)

Gene: SPTAN1 (spectrin alpha, non-erythrocytic 1; plus strand). Cytogenetic location: 9q34.11.
Variant type: single nucleotide variant.
Coding change: c.6841C>A on transcript NM_001130438.3 (MANE Select); coding-DNA position 6841, C replaced by A.
Protein change: p.Leu2281Ile; replaces leucine 2281 with isoleucine.
Molecular consequence: missense variant.
Genome position (GRCh38, 1-based): chr9:128,632,205, C>A. VCF-style: chr9-128632205-C-A. GRCh37 (hg19) VCF-style: chr9-131394484-C-A.
Other names: c.6766C>A, p.Leu2256Ile (NM_001195532.2); c.6904C>A, p.Leu2302Ile (NM_001363759.2); c.6781C>A, p.Leu2261Ile (NM_001363765.2, NM_001375314.2); c.6928C>A, p.Leu2310Ile (NM_001375310.1); c.6841C>A, p.Leu2281Ile (NM_001375311.2); c.6877C>A, p.Leu2293Ile (NM_001375312.2); c.6823C>A, p.Leu2275Ile (NM_001375313.1); c.6940C>A, p.Leu2314Ile (NM_001375318.1); and 1 more; short protein forms L2275I, L2281I, L2310I, L2302I, L2276I, L2293I, L2314I, L2256I.
Identifiers: ClinVar variation 1396033 (VCV001396033.10), dbSNP rs1341044436, ClinGen allele CA375097843.

ClinVar aggregate classification (germline): Uncertain significance. Review status: criteria provided, multiple submitters, no conflicts (2 of 4 stars). 2 submissions from 2 submitters: Uncertain significance (2). Last evaluated 2024-01-30.

Conditions:
Early-infantile DEE. Also called: Early infantile epileptic encephalopathy; Ohtahara syndrome; Early infantile epileptic encephalopathy with suppression bursts. Identifiers: Orphanet 1934, MedGen C0393706, MONDO:0800491.

Allele frequency attached by ClinVar (database versions not stated): gnomAD exomes below 0.00001.
gnomAD v4.1: 1 of 1,613,520 alleles (0.000062%); highest among the groups gnomAD compares: Admixed American, 0.0017%; no homozygotes.

Submissions (2):

Labcorp Genetics (formerly Invitae), Labcorp
Classification: Uncertain significance for Early-infantile DEE. Last evaluated: 2024-01-30. Review status: criteria provided, single submitter. Criteria: Invitae Variant Classification Sherloc (09022015). Collection method: clinical testing. Allele origin: germline.
Comment: This sequence change replaces leucine, which is neutral and non-polar, with isoleucine, which is neutral and non-polar, at codon 2281 of the SPTAN1 protein (p.Leu2281Ile). This variant is present in population databases (no rsID available, gnomAD 0.003%). This variant has not been reported in the literature in individuals affected with SPTAN1-related conditions. ClinVar contains an entry for this variant (Variation ID: 1396033). Advanced modeling of protein sequence and biophysical properties (such as structural, functional, and spatial information, amino acid conservation, physicochemical variation, residue mobility, and thermodynamic stability) has been performed at Invitae for this missense variant, however the output from this modeling did not meet the statistical confidence thresholds required to predict the impact of this variant on SPTAN1 protein function. In summary, the available evidence is currently insufficient to determine the role of this variant in disease. Therefore, it has been classified as a Variant of Uncertain Significance.

Women's Health and Genetics/Laboratory Corporation of America, LabCorp
Classification: Uncertain significance. Last evaluated: 2022-04-15. Review status: criteria provided, single submitter. Criteria: LabCorp Variant Classification Summary - May 2015. Collection method: clinical testing. Allele origin: germline.
Comment: Variant summary: SPTAN1 c.6841C>A (p.Leu2281Ile) results in a conservative amino acid change in the encoded protein sequence. Three of five in-silico tools predict a damaging effect of the variant on protein function. The variant allele was found at a frequency of 4e-06 in 250788 control chromosomes. The available data on variant occurrences in the general population are insufficient to allow any conclusion about variant significance. To our knowledge, no occurrence of c.6841C>A in individuals affected with Epileptic Encephalopathy, Early Infantile, 5 and no experimental evidence demonstrating its impact on protein function have been reported. One clinical diagnostic laboratory has submitted clinical-significance assessments for this variant to ClinVar after 2014 without evidence for independent evaluation. One laboratory classified the variant as uncertain significance. Based on the evidence outlined above, the variant was classified as uncertain significance.